The following is an entry in ClinVar:

ClinVar aggregate classification (germline): Uncertain significance (1 of 4 stars; one submission).

Conditions:
Myofibrillar myopathy 5. Also called: Filaminopathy (type); FILAMINOPATHY, AUTOSOMAL DOMINANT. Identifiers: Orphanet 171445, MedGen C1836050, MONDO:0012289, OMIM 609524.
Hypertrophic cardiomyopathy 26. Also called: Cardiomyopathy, familial hypertrophic, 26. Identifiers: Orphanet 75249, MedGen C4310749, MONDO:0014883, OMIM 617047.
Distal myopathy with posterior leg and anterior hand involvement. Also called: WILLIAMS DISTAL MYOPATHY. Identifiers: Orphanet 63273, MedGen C3279722, MONDO:0013550, OMIM 614065.

Submission:

Labcorp Genetics (formerly Invitae), Labcorp
Classification: Uncertain significance for Distal myopathy with posterior leg and anterior hand involvement; Myofibrillar myopathy 5; Hypertrophic cardiomyopathy 26. Last evaluated: 2021-12-24. Review status: criteria provided, single submitter. Criteria: Invitae Variant Classification Sherloc (09022015). Collection method: clinical testing. Allele origin: germline.
Comment: This sequence change replaces glycine, which is neutral and non-polar, with arginine, which is basic and polar, at codon 201 of the FLNC protein (p.Gly201Arg). This variant also falls at the last nucleotide of exon 2, which is part of the consensus splice site for this exon. This variant is not present in population databases (gnomAD no frequency). This variant has not been reported in the literature in individuals affected with FLNC-related conditions. Algorithms developed to predict the effect of missense changes on protein structure and function are either unavailable or do not agree on the potential impact of this missense change (SIFT: "Deleterious"; PolyPhen-2: "Probably Damaging"; Align-GVGD: "Class C0"). Variants that disrupt the consensus splice site are a relatively common cause of aberrant splicing (PMID: 17576681, 9536098). Algorithms developed to predict the effect of sequence changes on RNA splicing suggest that this variant may disrupt the consensus splice site. In summary, the available evidence is currently insufficient to determine the role of this variant in disease. Therefore, it has been classified as a Variant of Uncertain Significance.

Literature cited by the submitters: PubMed 17576681; PubMed 9536098.

NM_001458.5(FLNC):c.601G>C (p.Gly201Arg)

Gene: FLNC (filamin C; plus strand). Cytogenetic location: 7q32.1.
Variant type: single nucleotide variant.
Coding change: c.601G>C on transcript NM_001458.5 (MANE Select); coding-DNA position 601, G replaced by C.
Protein change: p.Gly201Arg; replaces glycine 201 with arginine.
Molecular consequence: missense variant.
Genome position (GRCh38, 1-based): chr7:128,835,574, G>C. VCF-style: chr7-128835574-G-C. GRCh37 (hg19) VCF-style: chr7-128475628-G-C.
Other names: c.601G>C, p.Gly201Arg (NM_001127487.2); short protein forms G201R.
Identifiers: ClinVar variation 2056640 (VCV002056640.4), dbSNP rs1808062939, ClinGen allele CA369219863.